The following is an entry in ClinVar:

NM_000088.4(COL1A1):c.4258G>A (p.Gly1420Arg)

Gene: COL1A1 (collagen type I alpha 1 chain; minus strand). Cytogenetic location: 17q21.33.
Variant type: single nucleotide variant.
Coding change: c.4258G>A on transcript NM_000088.4 (MANE Select); coding-DNA position 4258, G replaced by A.
Protein change: p.Gly1420Arg; replaces glycine 1420 with arginine.
Molecular consequence: missense variant.
Genome position (GRCh38, 1-based): chr17:50,185,639, C>T on the plus strand (G>A on the coding strand, the complement: COL1A1 is on the minus strand). VCF-style: chr17-50185639-C-T. GRCh37 (hg19) VCF-style: chr17-48263000-C-T.
Other names: short protein forms G1420R.
Identifiers: ClinVar variation 1503515 (VCV001503515.8), dbSNP rs139388334, ClinGen allele CA8644194.

ClinVar aggregate classification (germline): Uncertain significance (1 of 4 stars; one submission).

Conditions:
Osteogenesis imperfecta type I (OI1). Also called: Lobstein disease; Osteogenesis imperfecta type 1; OI, TYPE I; OSTEOGENESIS IMPERFECTA TARDA; OSTEOGENESIS IMPERFECTA WITH BLUE SCLERAE; Lobstein's Disease. Identifiers: Orphanet 216796, Orphanet 666, MedGen C0023931, MONDO:0008146, OMIM 166200. Disease mechanism: loss of function.

Allele frequency attached by ClinVar (database versions not stated): gnomAD exomes below 0.00001 and 0.00001; ExAC 0.00001; gnomAD 0.00001; TOPMed 0.00002; ESP Exome Variant Server 0.00008.
gnomAD v4.1: 11 of 1,613,456 alleles (0.00068%); highest among the groups gnomAD compares: East Asian, 0.0022%; no homozygotes.

Submission:

Labcorp Genetics (formerly Invitae), Labcorp
Classification: Uncertain significance for Osteogenesis imperfecta type I. Last evaluated: 2024-10-28. Review status: criteria provided, single submitter. Criteria: Invitae Variant Classification Sherloc (09022015). Collection method: clinical testing. Allele origin: germline.
Comment: This sequence change replaces glycine, which is neutral and non-polar, with arginine, which is basic and polar, at codon 1420 of the COL1A1 protein (p.Gly1420Arg). The frequency data for this variant in the population databases is considered unreliable, as metrics indicate poor data quality at this position in the gnomAD database. This missense change has been observed in individual(s) with COL1A1-related conditions (PMID: 37079061). ClinVar contains an entry for this variant (Variation ID: 1503515). Invitae Evidence Modeling of protein sequence and biophysical properties (such as structural, functional, and spatial information, amino acid conservation, physicochemical variation, residue mobility, and thermodynamic stability) has been performed for this missense variant. However, the output from this modeling did not meet the statistical confidence thresholds required to predict the impact of this variant on COL1A1 protein function. In summary, the available evidence is currently insufficient to determine the role of this variant in disease. Therefore, it has been classified as a Variant of Uncertain Significance.

Literature cited by the submitters: PubMed 37079061.